The following is an entry in ClinVar:

NM_152564.5(VPS13B):c.3820C>A (p.Pro1274Thr)

Gene: VPS13B (vacuolar protein sorting 13 homolog B; plus strand). Cytogenetic location: 8q22.2.
Variant type: single nucleotide variant.
Coding change: c.3820C>A on transcript NM_152564.5 (MANE Select); coding-DNA position 3820, C replaced by A.
Protein change: p.Pro1274Thr; replaces proline 1274 with threonine.
Molecular consequence: missense variant.
Genome position (GRCh38, 1-based): chr8:99,481,752, C>A. VCF-style: chr8-99481752-C-A. GRCh37 (hg19) VCF-style: chr8-100493980-C-A.
Other names: c.3820C>A, p.Pro1274Thr (NM_017890.5); short protein forms P1274T.
Identifiers: ClinVar variation 1967934 (VCV001967934.2), dbSNP rs2490354952, ClinGen allele CA371866958.
Genomic context (GRCh38, chr8:99,481,752, plus strand): 5'-GAGACCATGGCAGGGCCTGTTCCTACTTCTCCAGTTAGAAGCAGTATAGGCACAGCTCCT[C>A]CAGATACCAGCACATGCAGCCCATCTGCTGACATTGGGACTACTACTGAGGTAAGTGTTT-3'
Protein context (NP_689777.3, residues 1264-1284): PVRSSIGTAP[Pro1274Thr]DTSTCSPSAD

ClinVar aggregate classification (germline): Uncertain significance (1 of 4 stars; one submission).

Conditions:
Cohen syndrome (COH1). Also called: Cutis verticis gyrata, retinitis pigmentosa, and sensorineural deafness; PEPPER SYNDROME. Identifiers: Orphanet 193, MedGen C0265223, MONDO:0008999, OMIM 216550.

Submission:

Labcorp Genetics (formerly Invitae), Labcorp
Classification: Uncertain significance for Cohen syndrome. Last evaluated: 2022-10-28. Review status: criteria provided, single submitter. Criteria: Invitae Variant Classification Sherloc (09022015). Collection method: clinical testing. Allele origin: germline.
Comment: This sequence change replaces proline, which is neutral and non-polar, with threonine, which is neutral and polar, at codon 1274 of the VPS13B protein (p.Pro1274Thr). This variant is not present in population databases (gnomAD no frequency). This variant has not been reported in the literature in individuals affected with VPS13B-related conditions. Advanced modeling of protein sequence and biophysical properties (such as structural, functional, and spatial information, amino acid conservation, physicochemical variation, residue mobility, and thermodynamic stability) performed at Invitae indicates that this missense variant is expected to disrupt VPS13B protein function. In summary, the available evidence is currently insufficient to determine the role of this variant in disease. Therefore, it has been classified as a Variant of Uncertain Significance.